The following is an entry in ClinVar:

NM_004168.4(SDHA):c.1235G>A (p.Gly412Asp)

Gene: SDHA (succinate dehydrogenase complex flavoprotein subunit A; plus strand). Cytogenetic location: 5p15.33.
Variant type: single nucleotide variant.
Coding change: c.1235G>A on transcript NM_004168.4 (MANE Select); coding-DNA position 1235, G replaced by A.
Protein change: p.Gly412Asp; replaces glycine 412 with aspartic acid.
Molecular consequence: missense variant.
Genome position (GRCh38, 1-based): chr5:235,314, G>A. VCF-style: chr5-235314-G-A. GRCh37 (hg19) VCF-style: chr5-235429-G-A.
Other names: c.1091G>A, p.Gly364Asp (NM_001294332.2); c.1235G>A, p.Gly412Asp (NM_001330758.2); short protein forms G364D, G412D.
Identifiers: ClinVar variation 1756703 (VCV001756703.3), dbSNP rs2126585641, ClinGen allele CA359013727.
Genomic context (GRCh38, chr5:235,314, plus strand): 5'-GCGTGGACGTCACGAAGGAGCCGATCCCTGTCCTCCCCACCGTGCATTATAACATGGGCG[G>A]CATTCCCACCAACTACAAGGGGCAGGTGATGGTGCTGGCTCCTCCCCCACAGCTGGAAAG-3'
Protein context (NP_004159.2, residues 402-422): VLPTVHYNMG[Gly412Asp]IPTNYKGQVL

ClinVar aggregate classification (germline): Uncertain significance (1 of 4 stars; one submission).

Conditions:
Hereditary cancer-predisposing syndrome. Also called: Neoplastic Syndromes, Hereditary; Tumor predisposition; Hereditary Cancer Syndrome; Hereditary neoplastic syndrome. Identifiers: Orphanet 140162, MedGen C0027672, MeSH D009386, MONDO:0015356.

Submission:

Ambry Genetics
Classification: Uncertain significance for Hereditary cancer-predisposing syndrome. Last evaluated: 2024-09-13. Review status: criteria provided, single submitter. Criteria: Ambry Variant Classification Scheme 2023. Collection method: clinical testing. Allele origin: germline.
Comment: The p.G412D variant (also known as c.1235G>A), located in coding exon 9 of the SDHA gene, results from a G to A substitution at nucleotide position 1235. The glycine at codon 412 is replaced by aspartic acid, an amino acid with similar properties. This amino acid position is highly conserved in available vertebrate species. In addition, this alteration is predicted to be deleterious by in silico analysis. Based on the available evidence, the clinical significance of this variant remains unclear.